The following is an entry in ClinVar:

NM_006180.6(NTRK2):c.464A>G (p.Asp155Gly)

Gene: NTRK2 (neurotrophic receptor tyrosine kinase 2; plus strand). Cytogenetic location: 9q21.33.
Variant type: single nucleotide variant.
Coding change: c.464A>G on transcript NM_006180.6 (MANE Select); coding-DNA position 464, A replaced by G.
Protein change: p.Asp155Gly; replaces aspartic acid 155 with glycine.
Molecular consequence: missense variant. On other transcripts: 5 prime UTR variant (5).
Genome position (GRCh38, 1-based): chr9:84,710,672, A>G. VCF-style: chr9-84710672-A-G. GRCh37 (hg19) VCF-style: chr9-87325587-A-G.
Other names: c.464A>G (NM_006180.3); c.464A>G, p.Asp155Gly (NM_001007097.3, NM_001018064.3, NM_001018065.2 and 18 more transcripts); c.-5A>G (NM_001369535.1, NM_001369536.1, NM_001369550.1 and 2 more transcripts); short protein forms D155G.
Identifiers: ClinVar variation 1336404 (VCV001336404.11), dbSNP rs760215602, ClinGen allele CA5105512.
Genomic context (GRCh38, chr9:84,710,672, plus strand): 5'-CTGTTGTCATTTTTGTTCCCTGTAGGATCCTGGTGGGCAATCCATTTACATGCTCCTGTG[A>G]CATTATGTGGATCAAGACTCTCCAAGAGGCTAAATCCAGTCCAGACACTCAGGATTTGTA-3'
Protein context (NP_006171.2, residues 145-165): LVGNPFTCSC[Asp155Gly]IMWIKTLQEA

ClinVar aggregate classification (germline): Uncertain significance. Review status: criteria provided, multiple submitters, no conflicts (2 of 4 stars). 4 submissions from 4 submitters: Uncertain significance (3). 1 of the submissions does not count toward it. Last evaluated 2024-11-27.

Conditions:
Inborn genetic diseases. Identifiers: MedGen C0950123, MeSH D030342.
NTRK2-related disorder. Also called: NTRK2-related condition.

Allele frequency attached by ClinVar (database versions not stated): ExAC 0.00001; TOPMed 0.00001; gnomAD exomes 0.00002.
gnomAD v4.1: 28 of 1,614,162 alleles (0.0017%); highest among the groups gnomAD compares: Middle Eastern, 0.016%; no homozygotes.

Submissions (4):

Ambry Genetics
Classification: Uncertain significance for Inborn genetic diseases. Last evaluated: 2024-11-27. Review status: criteria provided, single submitter. Criteria: Ambry Variant Classification Scheme 2023. Collection method: clinical testing. Allele origin: germline.

Labcorp Genetics (formerly Invitae), Labcorp
Classification: Uncertain significance. Last evaluated: 2023-07-28. Review status: criteria provided, single submitter. Criteria: Invitae Variant Classification Sherloc (09022015). Collection method: clinical testing. Allele origin: germline.
Comment: In summary, the available evidence is currently insufficient to determine the role of this variant in disease. Therefore, it has been classified as a Variant of Uncertain Significance. Advanced modeling of protein sequence and biophysical properties (such as structural, functional, and spatial information, amino acid conservation, physicochemical variation, residue mobility, and thermodynamic stability) performed at Invitae indicates that this missense variant is not expected to disrupt NTRK2 protein function. ClinVar contains an entry for this variant (Variation ID: 1336404). This variant has not been reported in the literature in individuals affected with NTRK2-related conditions. This variant is present in population databases (rs760215602, gnomAD 0.004%). This sequence change replaces aspartic acid, which is acidic and polar, with glycine, which is neutral and non-polar, at codon 155 of the NTRK2 protein (p.Asp155Gly).

Genetic Services Laboratory, University of Chicago
Classification: Uncertain significance. Last evaluated: 2017-11-13. Review status: criteria provided, single submitter. Criteria: ACMG Guidelines, 2015. Collection method: clinical testing. Allele origin: germline. Affected: no.

PreventionGenetics, part of Exact Sciences
Classification: Uncertain significance for NTRK2-related condition. Last evaluated: 2024-07-11. Review status: no assertion criteria provided. Collection method: clinical testing. Allele origin: germline. Not counted in ClinVar's aggregate classification.
Comment: The NTRK2 c.464A>G variant is predicted to result in the amino acid substitution p.Asp155Gly. To our knowledge, this variant has not been reported in the literature. This variant is reported in 0.0035% of alleles in individuals of European (Non-Finnish) descent in gnomAD. At this time, the clinical significance of this variant is uncertain due to the absence of conclusive functional and genetic evidence.